The following is an entry in ClinVar:

ClinVar aggregate classification (germline): Pathogenic (1 of 4 stars; one submission).

Submission:

Labcorp Genetics (formerly Invitae), Labcorp
Classification: Pathogenic. Last evaluated: 2021-08-19. Review status: criteria provided, single submitter. Criteria: Invitae Variant Classification Sherloc (09022015). Collection method: clinical testing. Allele origin: germline.
Comment: This sequence change creates a premature translational stop signal (p.Arg181Profs*78) in the CYP11B2 gene. It is expected to result in an absent or disrupted protein product. Loss-of-function variants in CYP11B2 are known to be pathogenic (PMID: 20494601, 22801770, 26936515). This variant is not present in population databases (ExAC no frequency). This variant has not been reported in the literature in individuals with CYP11B2-related conditions. For these reasons, this variant has been classified as Pathogenic.

Literature cited by the submitters: PubMed 20494601; PubMed 22801770; PubMed 26936515.

NM_000498.3(CYP11B2):c.541dup (p.Arg181fs)

Genes: CYP11B2 (cytochrome P450 family 11 subfamily B member 2; minus strand), LOC106799834 (CYP11B2 recombination region; plus strand). Cytogenetic location: 8q24.3.
Variant type: Duplication.
Coding change: c.541dup on transcript NM_000498.3 (MANE Select); coding-DNA position 541, one base duplicated (C; older notation c.541dupC).
Protein change: p.Arg181fs; shifts the reading frame from arginine 181.
Molecular consequence: frameshift variant.
Genome position (GRCh38, 1-based): chr8:142,915,100, G duplicated on the plus strand (C on the coding strand, the reverse complement: CYP11B2 is on the minus strand); the first of 3 consecutive G bases (chr8:142,915,100-142,915,102); duplicating any one gives the same sequence. VCF-style (leftmost placement, unchanged base first): chr8-142915099-C-CG. GRCh37 (hg19) VCF-style: chr8-143996515-C-CG.
Other names: short protein forms R181fs.
Identifiers: ClinVar variation 1390056 (VCV001390056.3), dbSNP rs2130330767, ClinGen allele CA2573142873.